The following is an entry in ClinVar:

ClinVar aggregate classification (germline): Uncertain significance (1 of 4 stars; one submission).

Submission:

Labcorp Genetics (formerly Invitae), Labcorp
Classification: Uncertain significance. Last evaluated: 2024-10-06. Review status: criteria provided, single submitter. Criteria: Invitae Variant Classification Sherloc (09022015). Collection method: clinical testing. Allele origin: germline.
Comment: This sequence change replaces alanine, which is neutral and non-polar, with serine, which is neutral and polar, at codon 6 of the SLC9A7 protein (p.Ala6Ser). The frequency data for this variant in the population databases is considered unreliable, as metrics indicate insufficient coverage at this position in the gnomAD database. This variant has not been reported in the literature in individuals affected with SLC9A7-related conditions. Experimental studies and prediction algorithms are not available or were not evaluated, and the functional significance of this variant is currently unknown. In summary, the available evidence is currently insufficient to determine the role of this variant in disease. Therefore, it has been classified as a Variant of Uncertain Significance.

NM_001257291.2(SLC9A7):c.16G>T (p.Ala6Ser)

Genes: SLC9A7 (solute carrier family 9 member A7; minus strand), LOC130068197 (ATAC-STARR-seq lymphoblastoid silent region 20793; plus strand). Cytogenetic location: Xp11.3.
Variant type: single nucleotide variant.
Coding change: c.16G>T on transcript NM_001257291.2 (MANE Select); coding-DNA position 16, G replaced by T.
Protein change: p.Ala6Ser; replaces alanine 6 with serine.
Molecular consequence: missense variant.
Genome position (GRCh38, 1-based): chrX:46,759,014, C>A on the plus strand (G>T on the coding strand, the complement: SLC9A7 is on the minus strand). VCF-style: chrX-46759014-C-A. GRCh37 (hg19) VCF-style: chrX-46618449-C-A.
Other names: c.16G>T, p.Ala6Ser (NM_032591.3); short protein forms A6S.
Identifiers: ClinVar variation 3684635 (VCV003684635.2).